The following is an entry in ClinVar:

NM_015466.4(PTPN23):c.1906C>T (p.Gln636Ter)

Gene: PTPN23 (protein tyrosine phosphatase non-receptor type 23; plus strand). Cytogenetic location: 3p21.31.
Variant type: single nucleotide variant.
Coding change: c.1906C>T on transcript NM_015466.4 (MANE Select); coding-DNA position 1906, C replaced by T.
Protein change: p.Gln636Ter; replaces glutamine 636 with a stop codon.
Molecular consequence: nonsense.
Genome position (GRCh38, 1-based): chr3:47,409,525, C>T. VCF-style: chr3-47409525-C-T. GRCh37 (hg19) VCF-style: chr3-47451015-C-T.
Other names: c.1528C>T, p.Gln510Ter (NM_001304482.2); short protein forms Q510*, Q636*.
Identifiers: ClinVar variation 2843796 (VCV002843796.3), dbSNP rs2546247822, ClinGen allele CA352555841.

ClinVar aggregate classification (germline): Pathogenic (1 of 4 stars; one submission).

Submission:

Labcorp Genetics (formerly Invitae), Labcorp
Classification: Pathogenic. Last evaluated: 2023-03-08. Review status: criteria provided, single submitter. Criteria: Invitae Variant Classification Sherloc (09022015). Collection method: clinical testing. Allele origin: germline.
Comment: For these reasons, this variant has been classified as Pathogenic. This sequence change creates a premature translational stop signal (p.Gln636*) in the PTPN23 gene. It is expected to result in an absent or disrupted protein product. Loss-of-function variants in PTPN23 are known to be pathogenic (PMID: 29090338, 29899372). This variant is not present in population databases (gnomAD no frequency). This variant has not been reported in the literature in individuals affected with PTPN23-related conditions.

Literature cited by the submitters: PubMed 29090338; PubMed 29899372.